The following is an entry in ClinVar:

NM_002878.4(RAD51D):c.421C>A (p.Leu141Met)

Genes: RAD51L3-RFFL (RAD51L3-RFFL readthrough; minus strand), RAD51D (RAD51 paralog D; minus strand). Cytogenetic location: 17q12.
Variant type: single nucleotide variant.
Coding change: c.421C>A on transcript NM_002878.4 (MANE Select); coding-DNA position 421, C replaced by A.
Protein change: p.Leu141Met; replaces leucine 141 with methionine.
Molecular consequence: missense variant. On other transcripts: non-coding transcript variant (1), intron variant (1).
Genome position (GRCh38, 1-based): chr17:35,107,047, G>T on the plus strand (C>A on the coding strand, the complement: RAD51D is on the minus strand). VCF-style: chr17-35107047-G-T. GRCh37 (hg19) VCF-style: chr17-33434066-G-T.
Other names: c.481C>A, p.Leu161Met (NM_001142571.2); c.145-566C>A (NM_133629.3); short protein forms L141M, L161M.
Identifiers: ClinVar variation 824688 (VCV000824688.4), dbSNP rs1057523780, ClinGen allele CA399089259.

ClinVar aggregate classification (germline): Uncertain significance (1 of 4 stars; one submission).

Conditions:
Hereditary cancer-predisposing syndrome. Also called: Neoplastic Syndromes, Hereditary; Tumor predisposition; Hereditary neoplastic syndrome; Hereditary Cancer Syndrome. Identifiers: Orphanet 140162, MedGen C0027672, MeSH D009386, MONDO:0015356.

Submission:

Ambry Genetics
Classification: Uncertain significance for Hereditary cancer-predisposing syndrome. Last evaluated: 2019-06-05. Review status: criteria provided, single submitter. Criteria: Ambry Variant Classification Scheme 2023. Collection method: clinical testing. Allele origin: germline.
Comment: The p.L141M variant (also known as c.421C>A), located in coding exon 5 of the RAD51D gene, results from a C to A substitution at nucleotide position 421. The leucine at codon 141 is replaced by methionine, an amino acid with highly similar properties. This amino acid position is well conserved in available vertebrate species. In addition, this alteration is predicted to be tolerated by in silico analysis. Since supporting evidence is limited at this time, the clinical significance of this alteration remains unclear.